The following is an entry in ClinVar:

NM_000516.7(GNAS):c.*265A>G

Gene: GNAS (GNAS complex locus; plus strand). Cytogenetic location: 20q13.32.
Variant type: single nucleotide variant.
Coding change: c.*265A>G on transcript NM_000516.7 (MANE Select); 265 bases downstream of the stop codon, A replaced by G.
Molecular consequence: 3 prime UTR variant.
Genome position (GRCh38, 1-based): chr20:58,911,094, A>G. VCF-style: chr20-58911094-A-G. GRCh37 (hg19) VCF-style: chr20-57486149-A-G.
Other names: c.*265A>G (NM_001077488.5, NM_001077489.4, NM_001309840.2 and 10 more transcripts); c.*1311A>G (NM_001077490.3); c.*1356A>G (NM_016592.5).
Identifiers: ClinVar variation 4984835 (VCV004984835.1).

ClinVar aggregate classification (germline): Likely benign (1 of 4 stars; one submission).

Conditions:
GNAS-related disorder. Identifiers: MedGen CN380105.

gnomAD v4.1: 7 of 616,774 alleles (0.0011%); highest among the groups gnomAD compares: African/African-American, 0.0036%; no homozygotes.

Submission:

PreventionGenetics, part of Exact Sciences
Classification: Likely benign for GNAS-related condition. Last evaluated: 2024-10-11. Review status: criteria provided, single submitter. Criteria: ACMG Guidelines, 2015. Collection method: clinical testing. Allele origin: germline.
Comment: This variant is classified as likely benign based on ACMG/AMP sequence variant interpretation guidelines (Richards et al. 2015 PMID: 25741868, with internal and published modifications).